The following is an entry in ClinVar:

NM_003106.4(SOX2):c.900del (p.Ser300fs)

Genes: SOX2-OT (SOX2 overlapping transcript; plus strand), SOX2 (SRY-box transcription factor 2; plus strand). Cytogenetic location: 3q26.33.
Variant type: Deletion.
Coding change: c.900del on transcript NM_003106.4 (MANE Select); coding-DNA position 900, one base deleted (C; older notation c.900delC).
Protein change: p.Ser300fs; shifts the reading frame from serine 300.
Molecular consequence: frameshift variant.
Genome position (GRCh38, 1-based): chr3:181,713,260, C deleted. VCF-style (leftmost placement, unchanged base first): chr3-181713259-GC-G. GRCh37 (hg19) VCF-style: chr3-181431047-GC-G.
Other names: short protein forms S300fs.
Identifiers: ClinVar variation 3907684 (VCV003907684.1).

ClinVar aggregate classification (germline): Likely pathogenic (1 of 4 stars; one submission).

Conditions:
Anophthalmia/microphthalmia-esophageal atresia syndrome (MCOPS3). Also called: SOX2 Disorder; AEG SYNDROME; MICROPHTHALMIA AND ESOPHAGEAL ATRESIA SYNDROME. Identifiers: Orphanet 77298, MedGen C1859773, MONDO:0008799, OMIM 206900.

Submission:

MVZ Medizinische Genetik Mainz
Classification: Likely pathogenic for Anophthalmia/microphthalmia-esophageal atresia syndrome. Last evaluated: 2025-05-14. Review status: criteria provided, single submitter. Criteria: UK Practice Guidelines For Variant Classification V4 01 2020. Collection method: clinical testing. Allele origin: germline. Inheritance: Autosomal dominant inheritance. Affected: yes. Observed: 1 variant allele.
Comment: ACMG Criteria: PVS1,PM2_SUP